The following is an entry in ClinVar:

NM_024596.5(MCPH1):c.569T>C (p.Leu190Pro)

Gene: MCPH1 (microcephalin 1; plus strand). Cytogenetic location: 8p23.1.
Variant type: single nucleotide variant.
Coding change: c.569T>C on transcript NM_024596.5 (MANE Select); coding-DNA position 569, T replaced by C.
Protein change: p.Leu190Pro; replaces leucine 190 with proline.
Molecular consequence: missense variant. On other transcripts: non-coding transcript variant (1), intron variant (1).
Genome position (GRCh38, 1-based): chr8:6,439,085, T>C. VCF-style: chr8-6439085-T-C. GRCh37 (hg19) VCF-style: chr8-6296606-T-C.
Other names: c.569T>C, p.Leu190Pro (NM_001410917.1, NM_001172574.2, NM_001322042.2 and 3 more transcripts); c.436+2923T>C (NM_001172575.2); c.563T>C, p.Leu188Pro (NM_001322043.2); c.467T>C, p.Leu156Pro (NM_001322045.2); short protein forms L156P, L188P, L190P.
Identifiers: ClinVar variation 1982549 (VCV001982549.4), dbSNP rs1223767398, ClinGen allele CA370218719.

ClinVar aggregate classification (germline): Uncertain significance (1 of 4 stars; one submission).

gnomAD v4.1: 1 of 1,613,248 alleles (0.000062%); highest among the groups gnomAD compares: Non-Finnish European, 0.000085%; no homozygotes.

Submission:

Labcorp Genetics (formerly Invitae), Labcorp
Classification: Uncertain significance. Last evaluated: 2024-06-10. Review status: criteria provided, single submitter. Criteria: Invitae Variant Classification Sherloc (09022015). Collection method: clinical testing. Allele origin: germline.
Comment: This sequence change replaces leucine, which is neutral and non-polar, with proline, which is neutral and non-polar, at codon 190 of the MCPH1 protein (p.Leu190Pro). This variant is not present in population databases (gnomAD no frequency). This variant has not been reported in the literature in individuals affected with MCPH1-related conditions. ClinVar contains an entry for this variant (Variation ID: 1982549). Advanced modeling of protein sequence and biophysical properties (such as structural, functional, and spatial information, amino acid conservation, physicochemical variation, residue mobility, and thermodynamic stability) performed at Invitae indicates that this missense variant is expected to disrupt MCPH1 protein function with a positive predictive value of 80%. In summary, the available evidence is currently insufficient to determine the role of this variant in disease. Therefore, it has been classified as a Variant of Uncertain Significance.